The following is an entry in ClinVar:

NM_001145252.3(CFP):c.1285G>A (p.Val429Met)

Gene: CFP (complement factor properdin; minus strand). Cytogenetic location: Xp11.23.
Variant type: single nucleotide variant.
Coding change: c.1285G>A on transcript NM_001145252.3 (MANE Select); coding-DNA position 1285, G replaced by A.
Protein change: p.Val429Met; replaces valine 429 with methionine.
Molecular consequence: missense variant.
Genome position (GRCh38, 1-based): chrX:47,624,400, C>T on the plus strand (G>A on the coding strand, the complement: CFP is on the minus strand). VCF-style: chrX-47624400-C-T. GRCh37 (hg19) VCF-style: chrX-47483799-C-T.
Other names: c.1285G>A, p.Val429Met (NM_002621.2); short protein forms V429M.
Identifiers: ClinVar variation 4746669 (VCV004746669.1).
Genomic context (GRCh38, chrX:47,624,400, plus strand): 5'-CCACCAGCTTCTGCCCTTGTAGCTCCTCACACCGTGGCAGCGGTCTCCCCCAGAAGGTCA[C>T]GTTCTTCTCGCCCTGACCTTCGACCATGGAAACGGTGGGCCTGAGGCATTAGGGGTGGGG-3'
Protein context (NP_001138724.1, residues 419-439): SMVEGQGEKN[Val429Met]TFWGRPLPRC

ClinVar aggregate classification (germline): Uncertain significance (1 of 4 stars; one submission).

gnomAD v4.1: 2 of 1,210,851 alleles (0.00017%); highest among the groups gnomAD compares: South Asian, 0.0018%; no homozygotes.

Submission:

Labcorp Genetics (formerly Invitae), Labcorp
Classification: Uncertain significance. Last evaluated: 2025-03-12. Review status: criteria provided, single submitter. Criteria: Invitae Variant Classification Sherloc (09022015). Collection method: clinical testing. Allele origin: germline.
Comment: This sequence change replaces valine, which is neutral and non-polar, with methionine, which is neutral and non-polar, at codon 429 of the CFP protein (p.Val429Met). This variant is not present in population databases (gnomAD no frequency). This variant has not been reported in the literature in individuals affected with CFP-related conditions. Invitae Evidence Modeling of protein sequence and biophysical properties (such as structural, functional, and spatial information, amino acid conservation, physicochemical variation, residue mobility, and thermodynamic stability) indicates that this missense variant is not expected to disrupt CFP protein function with a negative predictive value of 80%. In summary, the available evidence is currently insufficient to determine the role of this variant in disease. Therefore, it has been classified as a Variant of Uncertain Significance.